The following is an entry in ClinVar:

NM_000059.4(BRCA2):c.8954-11T>A

Gene: BRCA2 (BRCA2 DNA repair associated; plus strand). Cytogenetic location: 13q13.1.
Variant type: single nucleotide variant.
Coding change: c.8954-11T>A on transcript NM_000059.4 (MANE Select); 11 bases into the intron before coding-DNA position 8954, T replaced by A.
Molecular consequence: intron variant.
Genome position (GRCh38, 1-based): chr13:32,379,739, T>A. VCF-style: chr13-32379739-T-A. GRCh37 (hg19) VCF-style: chr13-32953876-T-A.
Identifiers: ClinVar variation 531455 (VCV000531455.11), dbSNP rs1555288427, ClinGen allele CA658798072.

ClinVar aggregate classification (germline): Conflicting classifications of pathogenicity. Review status: criteria provided, conflicting classifications (1 of 4 stars). 2 submissions from 2 submitters: Uncertain significance (1); Likely benign (1). Last evaluated 2025-08-31.

Conditions:
Hereditary cancer-predisposing syndrome. Also called: Hereditary neoplastic syndrome; Neoplastic Syndromes, Hereditary; Tumor predisposition; Hereditary Cancer Syndrome. Identifiers: Orphanet 140162, MedGen C0027672, MeSH D009386, MONDO:0015356.
Hereditary breast ovarian cancer syndrome. Also called: Hereditary breast and ovarian cancer syndrome (HBOC); BRCA1- and BRCA2-Associated Hereditary Breast and Ovarian Cancer; Hereditary breast and ovarian cancer syndrome; Breast and ovarian cancer; Hereditary breast and ovarian cancer; Hereditary breast and/or ovarian cancer syndrome. Identifiers: Orphanet 145, MedGen C0677776, MeSH D061325, MONDO:0003582. Disease mechanism: loss of function.

Allele frequency attached by ClinVar (database versions not stated): gnomAD exomes below 0.00001.
gnomAD v4.1: 1 of 1,608,028 alleles (0.000062%); highest among the groups gnomAD compares: Admixed American, 0.0017%; no homozygotes.

Submissions (2):

Labcorp Genetics (formerly Invitae), Labcorp
Classification: Likely benign for Hereditary breast ovarian cancer syndrome. Last evaluated: 2025-08-31. Review status: criteria provided, single submitter. Criteria: Invitae Variant Classification Sherloc (09022015). Collection method: clinical testing. Allele origin: germline.

Color Diagnostics, LLC DBA Color Health
Classification: Uncertain significance for Hereditary cancer-predisposing syndrome. Last evaluated: 2021-07-07. Review status: criteria provided, single submitter. Criteria: ACMG Guidelines, 2015. Collection method: clinical testing. Allele origin: germline.
Comment: This variant causes a T to A nucleotide substitution at the -11 position of intron 22 of the BRCA2 gene. To our knowledge, functional studies have not been reported for this variant. This variant has not been reported in individuals affected with hereditary cancer in the literature. This variant has not been identified in the general population by the Genome Aggregation Database (gnomAD). The available evidence is insufficient to determine the role of this variant in disease conclusively. Therefore, this variant is classified as a Variant of Uncertain Significance.